The following is an entry in ClinVar:

ClinVar aggregate classification (germline): Uncertain significance. Review status: criteria provided, multiple submitters, no conflicts (2 of 4 stars). 2 submissions from 2 submitters: Uncertain significance (2). Last evaluated 2025-11-20.

Conditions:
Inborn genetic diseases. Identifiers: MedGen C0950123, MeSH D030342.
Hereditary spastic paraplegia 39 (SPG39). Also called: SPASTIC PARAPLEGIA 39, AUTOSOMAL RECESSIVE; Spastic Paraplegia Type 39 (SPG39). Identifiers: Orphanet 139480, MedGen C2677586, MONDO:0012787, OMIM 612020.

Allele frequency attached by ClinVar (database versions not stated): TOPMed below 0.00001; ExAC 0.00001; gnomAD exomes 0.00001.
gnomAD v4.1: 10 of 1,610,736 alleles (0.00062%); highest among the groups gnomAD compares: Middle Eastern, 0.017%; no homozygotes.

Submissions (2):

Ambry Genetics
Classification: Uncertain significance for Inborn genetic diseases. Last evaluated: 2025-11-20. Review status: criteria provided, single submitter. Criteria: Ambry Variant Classification Scheme 2023. Collection method: clinical testing. Allele origin: germline.

Labcorp Genetics (formerly Invitae), Labcorp
Classification: Uncertain significance for Hereditary spastic paraplegia 39. Last evaluated: 2021-04-02. Review status: criteria provided, single submitter. Criteria: Invitae Variant Classification Sherloc (09022015). Collection method: clinical testing. Allele origin: germline.
Comment: In summary, the available evidence is currently insufficient to determine the role of this variant in disease. Therefore, it has been classified as a Variant of Uncertain Significance. Algorithms developed to predict the effect of missense changes on protein structure and function are either unavailable or do not agree on the potential impact of this missense change (SIFT: "Deleterious"; PolyPhen-2: "Possibly Damaging"; Align-GVGD: "Class C0"). This variant has not been reported in the literature in individuals with PNPLA6-related conditions. This variant is present in population databases (rs749879325, ExAC 0.002%). This sequence change replaces arginine with histidine at codon 161 of the PNPLA6 protein (p.Arg161His). The arginine residue is moderately conserved and there is a small physicochemical difference between arginine and histidine.

NM_001166114.2(PNPLA6):c.599G>A (p.Arg200His)

Gene: PNPLA6 (patatin like domain 6, lysophospholipase; plus strand). Cytogenetic location: 19p13.2.
Variant type: single nucleotide variant.
Coding change: c.599G>A on transcript NM_001166114.2 (MANE Select); coding-DNA position 599, G replaced by A.
Protein change: p.Arg200His; replaces arginine 200 with histidine.
Molecular consequence: missense variant.
Genome position (GRCh38, 1-based): chr19:7,540,193, G>A. VCF-style: chr19-7540193-G-A. GRCh37 (hg19) VCF-style: chr19-7605079-G-A.
Other names: c.482G>A (NM_006702.4); c.626G>A, p.Arg209His (NM_001166111.2); c.482G>A, p.Arg161His (NM_001166112.2, NM_001166113.1, NM_006702.5); short protein forms R161H, R200H, R209H.
Identifiers: ClinVar variation 1060827 (VCV001060827.8), dbSNP rs749879325, ClinGen allele CA9139515.